The following is an entry in ClinVar:

ClinVar aggregate classification (germline): Uncertain significance (1 of 4 stars; one submission).

Conditions:
Bardet-Biedl syndrome (BBS). Identifiers: Orphanet 110, MedGen C0752166, MONDO:0015229.
McKusick-Kaufman syndrome (MKKS). Also called: HYDROMETROCOLPOS SYNDROME; HYDROMETROCOLPOS, POSTAXIAL POLYDACTYLY, AND CONGENITAL HEART MALFORMATION. Identifiers: Orphanet 2473, MedGen C0948368, MONDO:0009367, OMIM 236700.

Allele frequency attached by ClinVar (database versions not stated): TOPMed 0.00001.

Submission:

Labcorp Genetics (formerly Invitae), Labcorp
Classification: Uncertain significance for McKusick-Kaufman syndrome; Bardet-Biedl syndrome. Last evaluated: 2022-08-06. Review status: criteria provided, single submitter. Criteria: Invitae Variant Classification Sherloc (09022015). Collection method: clinical testing. Allele origin: germline.
Comment: This variant has not been reported in the literature in individuals affected with MKKS-related conditions. In summary, the available evidence is currently insufficient to determine the role of this variant in disease. Therefore, it has been classified as a Variant of Uncertain Significance. Algorithms developed to predict the effect of missense changes on protein structure and function output the following: SIFT: "Tolerated"; PolyPhen-2: "Benign"; Align-GVGD: "Class C0". The isoleucine amino acid residue is found in multiple mammalian species, which suggests that this missense change does not adversely affect protein function. This variant is not present in population databases (gnomAD no frequency). This sequence change replaces valine, which is neutral and non-polar, with isoleucine, which is neutral and non-polar, at codon 480 of the MKKS protein (p.Val480Ile).

NM_170784.3(MKKS):c.1438G>A (p.Val480Ile)

Gene: MKKS (MKKS centrosomal shuttling protein; minus strand). Cytogenetic location: 20p12.2.
Variant type: single nucleotide variant.
Coding change: c.1438G>A on transcript NM_170784.3 (MANE Select); coding-DNA position 1438, G replaced by A.
Protein change: p.Val480Ile; replaces valine 480 with isoleucine.
Molecular consequence: missense variant. On other transcripts: non-coding transcript variant (1).
Genome position (GRCh38, 1-based): chr20:10,405,522, C>T on the plus strand (G>A on the coding strand, the complement: MKKS is on the minus strand). VCF-style: chr20-10405522-C-T. GRCh37 (hg19) VCF-style: chr20-10386170-C-T.
Other names: c.1438G>A, p.Val480Ile (NM_018848.3); short protein forms V480I.
Identifiers: ClinVar variation 1715377 (VCV001715377.5), dbSNP rs2064836436, ClinGen allele CA408230899.
Genomic context (GRCh38, chr20:10,405,522, plus strand): 5'-CACAGCCACACTGTGAAAGCAAATCTGGCCAGTTAGCAACACAGGGAGAATCTGCCTGAA[C>T]TGACCAAAGGTGTCCATACTTCATGTCAGTGAGAATTTCACCTCCATCATGTTCTAAAGA-3'
Protein context (NP_740754.1, residues 470-490): TDMKYGHLWS[Val480Ile]QADSPCVANW